The following is an entry in ClinVar:

ClinVar aggregate classification (germline): Likely benign. Review status: criteria provided, single submitter (1 of 4 stars). 2 submissions from 2 submitters: Likely benign (1). 1 of the submissions does not count toward it. Last evaluated 2024-11-21.

Conditions:
USP8-related disorder. Also called: USP8-related condition.
Hereditary spastic paraplegia. Also called: Familial spastic paraparesis. Identifiers: Orphanet 685, MedGen C0037773, MONDO:0019064. Disease mechanism: loss of function.

Allele frequency attached by ClinVar (database versions not stated): gnomAD exomes 0.00013 and 0.00032; ExAC 0.00049; 1000 Genomes Project 30x 0.00094; 1000 Genomes Project 0.00100; gnomAD 0.00133 and 0.00150; TOPMed 0.00162; ESP Exome Variant Server 0.00216.
gnomAD v4.1: 412 of 1,613,902 alleles (0.026%); highest among the groups gnomAD compares: African/African-American, 0.49%; 4 homozygotes.

Submissions (2):

Labcorp Genetics (formerly Invitae), Labcorp
Classification: Likely benign for Hereditary spastic paraplegia. Last evaluated: 2024-11-21. Review status: criteria provided, single submitter. Criteria: Invitae Variant Classification Sherloc (09022015). Collection method: clinical testing. Allele origin: germline.

PreventionGenetics, part of Exact Sciences
Classification: Likely benign for USP8-related condition. Last evaluated: 2020-08-19. Review status: no assertion criteria provided. Collection method: clinical testing. Allele origin: germline. Not counted in ClinVar's aggregate classification.
Comment: This variant is classified as likely benign based on ACMG/AMP sequence variant interpretation guidelines (Richards et al. 2015 PMID: 25741868, with internal and published modifications).

NM_005154.5(USP8):c.634G>A (p.Asp212Asn)

Gene: USP8 (ubiquitin specific peptidase 8; plus strand). Cytogenetic location: 15q21.2.
Variant type: single nucleotide variant.
Coding change: c.634G>A on transcript NM_005154.5 (MANE Select); coding-DNA position 634, G replaced by A.
Protein change: p.Asp212Asn; replaces aspartic acid 212 with asparagine.
Molecular consequence: missense variant.
Genome position (GRCh38, 1-based): chr15:50,465,139, G>A. VCF-style: chr15-50465139-G-A. GRCh37 (hg19) VCF-style: chr15-50757336-G-A.
Other names: c.634G>A, p.Asp212Asn (NM_001128610.3); c.403G>A, p.Asp135Asn (NM_001283049.2); short protein forms D212N, D135N.
Identifiers: ClinVar variation 705722 (VCV000705722.11), dbSNP rs150245386, ClinGen allele CA7555537.